The following is an entry in ClinVar:

ClinVar aggregate classification (germline): Uncertain significance (1 of 4 stars; one submission).

Submission:

Labcorp Genetics (formerly Invitae), Labcorp
Classification: Uncertain significance. Last evaluated: 2022-12-15. Review status: criteria provided, single submitter. Criteria: Invitae Variant Classification Sherloc (09022015). Collection method: clinical testing. Allele origin: germline.
Comment: In summary, the available evidence is currently insufficient to determine the role of this variant in disease. Therefore, it has been classified as a Variant of Uncertain Significance. Algorithms developed to predict the effect of missense changes on protein structure and function (SIFT, PolyPhen-2, Align-GVGD) all suggest that this variant is likely to be tolerated. This variant has not been reported in the literature in individuals affected with MYLK3-related conditions. This variant is not present in population databases (gnomAD no frequency). This sequence change replaces tyrosine, which is neutral and polar, with histidine, which is basic and polar, at codon 606 of the MYLK3 protein (p.Tyr606His).

NM_182493.3(MYLK3):c.1816T>C (p.Tyr606His)

Gene: MYLK3 (myosin light chain kinase 3; minus strand). Cytogenetic location: 16q11.2.
Variant type: single nucleotide variant.
Coding change: c.1816T>C on transcript NM_182493.3 (MANE Select); coding-DNA position 1816, T replaced by C.
Protein change: p.Tyr606His; replaces tyrosine 606 with histidine.
Molecular consequence: missense variant.
Genome position (GRCh38, 1-based): chr16:46,727,334, A>G on the plus strand (T>C on the coding strand, the complement: MYLK3 is on the minus strand). VCF-style: chr16-46727334-A-G. GRCh37 (hg19) VCF-style: chr16-46761246-A-G.
Other names: c.793T>C, p.Tyr265His (NM_001308301.1); short protein forms Y265H, Y606H.
Identifiers: ClinVar variation 2808034 (VCV002808034.3), dbSNP rs1966844616, ClinGen allele CA395789939.